The following is an entry in ClinVar:

NM_001242896.3(DEPDC5):c.4410C>A (p.His1470Gln)

Gene: DEPDC5 (DEP domain containing 5, GATOR1 subcomplex subunit; plus strand). Cytogenetic location: 22q12.3.
Variant type: single nucleotide variant.
Coding change: c.4410C>A on transcript NM_001242896.3 (MANE Select); coding-DNA position 4410, C replaced by A.
Protein change: p.His1470Gln; replaces histidine 1470 with glutamine.
Molecular consequence: missense variant. On other transcripts: non-coding transcript variant (5).
Genome position (GRCh38, 1-based): chr22:31,901,776, C>A. VCF-style: chr22-31901776-C-A. GRCh37 (hg19) VCF-style: chr22-32297762-C-A.
Other names: c.4410C>A (NM_001242896.1); c.4383C>A, p.His1461Gln (NM_001136029.4); c.4110C>A, p.His1370Gln (NM_001242897.2); c.4344C>A, p.His1448Gln (NM_001363852.2, NM_001364320.2); c.4176C>A, p.His1392Gln (NM_001363854.2, NM_001364319.2); c.4410C>A, p.His1470Gln (NM_001364318.2); c.4326C>A, p.His1442Gln (NM_001369901.1, NM_001369902.1); c.4317C>A, p.His1439Gln (NM_001369903.1, NM_014662.6); short protein forms H1448Q, H1442Q, H1370Q, H1392Q, H1439Q, H1461Q, H1470Q.
Identifiers: ClinVar variation 1436309 (VCV001436309.7), dbSNP rs372176746, ClinGen allele CA10197235.

ClinVar aggregate classification (germline): Uncertain significance. Review status: criteria provided, multiple submitters, no conflicts (2 of 4 stars). 2 submissions from 2 submitters: Uncertain significance (2). Last evaluated 2025-06-24.

Conditions:
Inborn genetic diseases. Identifiers: MedGen C0950123, MeSH D030342.
Familial focal epilepsy with variable foci (FPEVF). Identifiers: Orphanet 98820, MedGen C1858477, MONDO:0020310.

Allele frequency attached by ClinVar (database versions not stated): ExAC 0.00002; ESP Exome Variant Server 0.00008.
gnomAD v4.1: 8 of 1,613,620 alleles (0.0005%); highest among the groups gnomAD compares: Non-Finnish European, 0.00059%; no homozygotes.

Submissions (2):

Ambry Genetics
Classification: Uncertain significance for Inborn genetic diseases. Last evaluated: 2025-06-24. Review status: criteria provided, single submitter. Criteria: Ambry Variant Classification Scheme 2023. Collection method: clinical testing. Allele origin: germline.

Labcorp Genetics (formerly Invitae), Labcorp
Classification: Uncertain significance for Familial focal epilepsy with variable foci. Last evaluated: 2025-06-20. Review status: criteria provided, single submitter. Criteria: Invitae Variant Classification Sherloc (09022015). Collection method: clinical testing. Allele origin: germline.
Comment: This sequence change replaces histidine, which is basic and polar, with glutamine, which is neutral and polar, at codon 1470 of the DEPDC5 protein (p.His1470Gln). This variant is present in population databases (rs372176746, gnomAD 0.007%). This variant has not been reported in the literature in individuals affected with DEPDC5-related conditions. ClinVar contains an entry for this variant (Variation ID: 1436309). Experimental studies and prediction algorithms are not available or were not evaluated, and the functional significance of this variant is currently unknown. In summary, the available evidence is currently insufficient to determine the role of this variant in disease. Therefore, it has been classified as a Variant of Uncertain Significance.